The following is an entry in ClinVar:

ClinVar aggregate classification (germline): Uncertain significance. Review status: criteria provided, multiple submitters, no conflicts (2 of 4 stars). 2 submissions from 2 submitters: Uncertain significance (2). Last evaluated 2025-06-06.

Conditions:
Kufor-Rakeb syndrome (KRS). Also called: PARKINSON DISEASE 9, AUTOSOMAL RECESSIVE, JUVENILE-ONSET. Identifiers: Orphanet 306674, Orphanet 314632, MedGen C1847640, MONDO:0011706, OMIM 606693.
Autosomal recessive spastic paraplegia type 78. Identifiers: Orphanet 513436, MedGen C5567893, MONDO:0014975, OMIM 617225.
Inborn genetic diseases. Identifiers: MedGen C0950123, MeSH D030342.

Allele frequency attached by ClinVar (database versions not stated): gnomAD exomes below 0.00001; gnomAD 0.00001; ExAC 0.00002.
gnomAD v4.1: 4 of 1,609,518 alleles (0.00025%); highest among the groups gnomAD compares: Admixed American, 0.0033%; no homozygotes.

Submissions (2):

Ambry Genetics
Classification: Uncertain significance for Inborn genetic diseases. Last evaluated: 2025-06-06. Review status: criteria provided, single submitter. Criteria: Ambry Variant Classification Scheme 2023. Collection method: clinical testing. Allele origin: germline.

Labcorp Genetics (formerly Invitae), Labcorp
Classification: Uncertain significance for Kufor-Rakeb syndrome; Autosomal recessive spastic paraplegia type 78. Last evaluated: 2023-12-13. Review status: criteria provided, single submitter. Criteria: Invitae Variant Classification Sherloc (09022015). Collection method: clinical testing. Allele origin: germline.
Comment: This sequence change replaces alanine, which is neutral and non-polar, with threonine, which is neutral and polar, at codon 1086 of the ATP13A2 protein (p.Ala1086Thr). This variant is present in population databases (rs761814059, gnomAD 0.006%). This variant has not been reported in the literature in individuals affected with ATP13A2-related conditions. Advanced modeling of protein sequence and biophysical properties (such as structural, functional, and spatial information, amino acid conservation, physicochemical variation, residue mobility, and thermodynamic stability) performed at Invitae indicates that this missense variant is not expected to disrupt ATP13A2 protein function with a negative predictive value of 80%. In summary, the available evidence is currently insufficient to determine the role of this variant in disease. Therefore, it has been classified as a Variant of Uncertain Significance.

NM_022089.4(ATP13A2):c.3256G>A (p.Ala1086Thr)

Gene: ATP13A2 (ATPase cation transporting 13A2; minus strand). Cytogenetic location: 1p36.13.
Variant type: single nucleotide variant.
Coding change: c.3256G>A on transcript NM_022089.4 (MANE Select); coding-DNA position 3256, G replaced by A.
Protein change: p.Ala1086Thr; replaces alanine 1086 with threonine.
Molecular consequence: missense variant. On other transcripts: intron variant (1).
Genome position (GRCh38, 1-based): chr1:16,986,612, C>T on the plus strand (G>A on the coding strand, the complement: ATP13A2 is on the minus strand). VCF-style: chr1-16986612-C-T. GRCh37 (hg19) VCF-style: chr1-17313107-C-T.
Other names: c.3256G>A (NM_022089.2); c.3241G>A, p.Ala1081Thr (NM_001141973.3); c.3103+193G>A (NM_001141974.3); short protein forms A1086T, A1081T.
Identifiers: ClinVar variation 2921503 (VCV002921503.4), dbSNP rs761814059, ClinGen allele CA636538.